The following is an entry in ClinVar:

NM_032043.3(BRIP1):c.1184C>A (p.Ala395Asp)

Gene: BRIP1 (BRCA1 interacting DNA helicase 1; minus strand). Cytogenetic location: 17q23.2.
Variant type: single nucleotide variant.
Coding change: c.1184C>A on transcript NM_032043.3 (MANE Select); coding-DNA position 1184, C replaced by A.
Protein change: p.Ala395Asp; replaces alanine 395 with aspartic acid.
Molecular consequence: missense variant.
Genome position (GRCh38, 1-based): chr17:61,799,256, G>T on the plus strand (C>A on the coding strand, the complement: BRIP1 is on the minus strand). VCF-style: chr17-61799256-G-T. GRCh37 (hg19) VCF-style: chr17-59876617-G-T.
Other names: short protein forms A395D.
Identifiers: ClinVar variation 461063 (VCV000461063.9), dbSNP rs778992385, ClinGen allele CA8690777.

ClinVar aggregate classification (germline): Uncertain significance. Review status: criteria provided, multiple submitters, no conflicts (2 of 4 stars). 2 submissions from 2 submitters: Uncertain significance (2). Last evaluated 2021-09-01.

Conditions:
Hereditary cancer-predisposing syndrome. Also called: Hereditary neoplastic syndrome; Neoplastic Syndromes, Hereditary; Tumor predisposition; Hereditary Cancer Syndrome. Identifiers: Orphanet 140162, MedGen C0027672, MeSH D009386, MONDO:0015356.
Fanconi anemia complementation group J. Also called: BRIP1-Related Fanconi Anemia. Identifiers: Orphanet 84, MedGen C1836860, MONDO:0012187, OMIM 609054.
Familial cancer of breast. Also called: BREAST CANCER, FAMILIAL; hereditary breast carcinoma; Hereditary breast cancer. Identifiers: Orphanet 227535, MedGen C0346153, MONDO:0016419, OMIM 114480. Disease mechanism: loss of function.

Allele frequency attached by ClinVar (database versions not stated): gnomAD exomes below 0.00001 and 0.00001; ExAC 0.00001.
gnomAD v4.1: 3 of 1,613,354 alleles (0.00019%); highest among the groups gnomAD compares: South Asian, 0.0033%; no homozygotes.

Submissions (2):

Labcorp Genetics (formerly Invitae), Labcorp
Classification: Uncertain significance for Familial cancer of breast; Fanconi anemia complementation group J. Last evaluated: 2021-09-01. Review status: criteria provided, single submitter. Criteria: Invitae Variant Classification Sherloc (09022015). Collection method: clinical testing. Allele origin: germline.
Comment: This sequence change replaces alanine with aspartic acid at codon 395 of the BRIP1 protein (p.Ala395Asp). The alanine residue is highly conserved and there is a moderate physicochemical difference between alanine and aspartic acid. This variant is present in population databases (rs778992385, ExAC 0.006%). This variant has not been reported in the literature in individuals affected with BRIP1-related conditions. Algorithms developed to predict the effect of missense changes on protein structure and function (SIFT, PolyPhen-2, Align-GVGD) all suggest that this variant is likely to be disruptive. In summary, the available evidence is currently insufficient to determine the role of this variant in disease. Therefore, it has been classified as a Variant of Uncertain Significance.

Ambry Genetics
Classification: Uncertain significance for Hereditary cancer-predisposing syndrome. Last evaluated: 2021-03-31. Review status: criteria provided, single submitter. Criteria: Ambry Variant Classification Scheme 2023. Collection method: clinical testing. Allele origin: germline.
Comment: The p.A395D variant (also known as c.1184C>A), located in coding exon 8 of the BRIP1 gene, results from a C to A substitution at nucleotide position 1184. The alanine at codon 395 is replaced by aspartic acid, an amino acid with dissimilar properties. This amino acid position is highly conserved in available vertebrate species. In addition, this alteration is predicted to be deleterious by in silico analysis. Since supporting evidence is limited at this time, the clinical significance of this alteration remains unclear.